The following is an entry in ClinVar:

ClinVar aggregate classification (germline): Uncertain significance. Review status: criteria provided, multiple submitters, no conflicts (2 of 4 stars). 2 submissions from 2 submitters: Uncertain significance (2). Last evaluated 2024-10-22.

Conditions:
Joubert syndrome 17 (JBTS17). Identifiers: Orphanet 475, MedGen C3553264, MONDO:0013824, OMIM 614615.

Allele frequency attached by ClinVar (database versions not stated): gnomAD exomes below 0.00001 and 0.00001; TOPMed below 0.00001; ExAC 0.00005.
gnomAD v4.1: 5 of 1,549,168 alleles (0.00032%); highest among the groups gnomAD compares: South Asian, 0.0048%; no homozygotes.

Submissions (2):

Labcorp Genetics (formerly Invitae), Labcorp
Classification: Uncertain significance. Last evaluated: 2024-10-22. Review status: criteria provided, single submitter. Criteria: Invitae Variant Classification Sherloc (09022015). Collection method: clinical testing. Allele origin: germline.
Comment: This sequence change replaces serine, which is neutral and polar, with asparagine, which is neutral and polar, at codon 736 of the CPLANE1 protein (p.Ser736Asn). This variant is present in population databases (rs765826864, gnomAD 0.005%). This variant has not been reported in the literature in individuals affected with CPLANE1-related conditions. ClinVar contains an entry for this variant (Variation ID: 904634). Invitae Evidence Modeling of protein sequence and biophysical properties (such as structural, functional, and spatial information, amino acid conservation, physicochemical variation, residue mobility, and thermodynamic stability) indicates that this missense variant is not expected to disrupt CPLANE1 protein function with a negative predictive value of 95%. In summary, the available evidence is currently insufficient to determine the role of this variant in disease. Therefore, it has been classified as a Variant of Uncertain Significance.

Illumina Laboratory Services, Illumina
Classification: Uncertain significance for Joubert syndrome 17. Last evaluated: 2018-01-12. Review status: criteria provided, single submitter. Criteria: ICSL Variant Classification Criteria 13 December 2019. Collection method: clinical testing. Allele origin: germline.

NM_001384732.1(CPLANE1):c.2207G>A (p.Ser736Asn)

Gene: CPLANE1 (ciliogenesis and planar polarity effector complex subunit 1; minus strand). Cytogenetic location: 5p13.2.
Variant type: single nucleotide variant.
Coding change: c.2207G>A on transcript NM_001384732.1 (MANE Select); coding-DNA position 2207, G replaced by A.
Protein change: p.Ser736Asn; replaces serine 736 with asparagine.
Molecular consequence: missense variant.
Genome position (GRCh38, 1-based): chr5:37,226,388, C>T on the plus strand (G>A on the coding strand, the complement: CPLANE1 is on the minus strand). VCF-style: chr5-37226388-C-T. GRCh37 (hg19) VCF-style: chr5-37226490-C-T.
Other names: c.2207G>A, p.Ser736Asn (NM_023073.4); short protein forms S736N.
Identifiers: ClinVar variation 904634 (VCV000904634.7), dbSNP rs765826864, ClinGen allele CA3239053.